The following is an entry in ClinVar:

ClinVar aggregate classification (germline): Benign/Likely benign. Review status: criteria provided, multiple submitters, no conflicts (2 of 4 stars). 10 submissions from 7 submitters: Benign (6); Likely benign (3). 1 of the submissions does not count toward it. Last evaluated 2026-02-03.

Conditions:
Krabbe disease due to saposin A deficiency. Also called: KRABBE DISEASE, ATYPICAL, DUE TO SAPOSIN A DEFICIENCY; Saposin A Deficiency. Identifiers: Orphanet 487, MedGen C2673266, MONDO:0012720, OMIM 611722.
Combined PSAP deficiency (PSAPD). Also called: Encephalopathy due to prosaposin deficiency; COMBINED SAP DEFICIENCY; PROSAPOSIN DEFICIENCY. Identifiers: Orphanet 139406, MedGen C2673635, MONDO:0012719, OMIM 611721.
Gaucher disease due to saposin C deficiency. Also called: Saposin C Deficiency; Atypical Gaucher disease due to saposin C deficiency. Identifiers: Orphanet 309252, Orphanet 355, MedGen C1864651, MONDO:0012517, OMIM 610539.
Galactosylceramide beta-galactosidase deficiency. Also called: GALACTOCEREBROSIDASE DEFICIENCY; GALC DEFICIENCY; GLOBOID CELL LEUKOENCEPHALOPATHY; Krabbe Disease; Leukodystrophy, Globoid Cell. Identifiers: Orphanet 487, MedGen C0023521, MONDO:0009499, OMIM 245200.
Sphingolipid activator protein 1 deficiency. Also called: Saposin B Deficiency; METACHROMATIC LEUKODYSTROPHY DUE TO CEREBROSIDE SULFATASE ACTIVATOR DEFICIENCY; Metachromatic leukodystrophy due to saposin B deficiency. Identifiers: Orphanet 512, MedGen C0268262, MONDO:0009590, OMIM 249900.
Parkinson disease 24, autosomal dominant, susceptibility to. Identifiers: MedGen C5561969, MONDO:0859183, OMIM 619491.

Allele frequency attached by ClinVar (database versions not stated): 1000 Genomes Project 0.00579; 1000 Genomes Project 30x 0.00640; TOPMed 0.00823; ESP Exome Variant Server 0.00853.
gnomAD v4.1: 1,973 of 1,613,952 alleles (0.12%); highest among the groups gnomAD compares: African/African-American, 2.4%; 25 homozygotes.

Submissions (10):

Labcorp Genetics (formerly Invitae), Labcorp
Classification: Benign for Sphingolipid activator protein 1 deficiency. Last evaluated: 2026-02-03. Review status: criteria provided, single submitter. Criteria: Invitae Variant Classification Sherloc (09022015). Collection method: clinical testing. Allele origin: germline.

Blueprint Genetics
Classification: Likely benign. Last evaluated: 2024-10-07. Review status: criteria provided, single submitter. Criteria: ACMG Guidelines, 2015. Collection method: clinical testing. Allele origin: germline.

Fulgent Genetics
Classification: Benign for Sphingolipid activator protein 1 deficiency; Gaucher disease due to saposin C deficiency; Combined PSAP deficiency; Krabbe disease due to saposin A deficiency; Parkinson disease 24, autosomal dominant, susceptibility to. Last evaluated: 2021-07-02. Review status: criteria provided, single submitter. Criteria: ACMG Guidelines, 2015. Collection method: clinical testing. Allele origin: unknown.

GeneDx
Classification: Likely benign. Last evaluated: 2018-12-31. Review status: criteria provided, single submitter. Criteria: GeneDx Variant Classification Process June 2021. Collection method: clinical testing. Allele origin: germline. Affected: yes.

Illumina Laboratory Services, Illumina
Classification: Benign for Sphingolipid activator protein 1 deficiency. Last evaluated: 2018-01-12. Review status: criteria provided, single submitter. Criteria: ICSL Variant Classification Criteria 13 December 2019. Collection method: clinical testing. Allele origin: germline.
Comment: This variant was observed in the ICSL laboratory as part of a predisposition screen in an ostensibly healthy population. It had not been previously curated by ICSL or reported in the Human Gene Mutation Database (HGMD: prior to June 1st, 2018), and was therefore a candidate for classification through an automated scoring system. Utilizing variant allele frequency, disease prevalence and penetrance estimates, and inheritance mode, an automated score was calculated to assess if this variant is too frequent to cause the disease. Based on the score and internal cut-off values, a variant classified as benign is not then subjected to further curation. The score for this variant resulted in a classification of benign for this disease.

Illumina Laboratory Services, Illumina
Classification: Benign for Krabbe disease due to saposin A deficiency. Last evaluated: 2018-01-12. Review status: criteria provided, single submitter. Criteria: ICSL Variant Classification Criteria 13 December 2019. Collection method: clinical testing. Allele origin: germline.
Comment: the same text as in the submission from Illumina Laboratory Services, Illumina above.

Illumina Laboratory Services, Illumina
Classification: Benign for Gaucher disease due to saposin C deficiency. Last evaluated: 2018-01-12. Review status: criteria provided, single submitter. Criteria: ICSL Variant Classification Criteria 13 December 2019. Collection method: clinical testing. Allele origin: germline.
Comment: the same text as in the submission from Illumina Laboratory Services, Illumina above.

Illumina Laboratory Services, Illumina
Classification: Benign for Combined PSAP deficiency. Last evaluated: 2018-01-12. Review status: criteria provided, single submitter. Criteria: ICSL Variant Classification Criteria 13 December 2019. Collection method: clinical testing. Allele origin: germline.
Comment: the same text as in the submission from Illumina Laboratory Services, Illumina above.

Breakthrough Genomics
Classification: Likely benign. Review status: criteria provided, single submitter. Criteria: ACMG Guidelines, 2015. Collection method: not provided. Allele origin: germline. Inheritance: Autosomal recessive inheritance. Affected: yes.

Natera, Inc.
Classification: Benign for Galactosylceramide beta-galactosidase deficiency. Last evaluated: 2020-09-16. Review status: no assertion criteria provided. Collection method: clinical testing. Allele origin: germline. Not counted in ClinVar's aggregate classification.

NM_002778.4(PSAP):c.570G>T (p.Gln190His)

Gene: PSAP (prosaposin; minus strand). Cytogenetic location: 10q22.1.
Variant type: single nucleotide variant.
Coding change: c.570G>T on transcript NM_002778.4 (MANE Select); coding-DNA position 570, G replaced by T.
Protein change: p.Gln190His; replaces glutamine 190 with histidine.
Molecular consequence: missense variant.
Genome position (GRCh38, 1-based): chr10:71,828,883, C>A on the plus strand (G>T on the coding strand, the complement: PSAP is on the minus strand). VCF-style: chr10-71828883-C-A. GRCh37 (hg19) VCF-style: chr10-73588640-C-A.
Other names: c.570G>T, p.Gln190His (NM_001042465.3, NM_001042466.3); short protein forms Q190H.
Identifiers: ClinVar variation 300524 (VCV000300524.21), dbSNP rs142272618, ClinGen allele CA5547743.